The following is an entry in ClinVar:

NM_004415.4(DSP):c.3259G>T (p.Glu1087Ter)

Gene: DSP (desmoplakin; plus strand). Cytogenetic location: 6p24.3.
Variant type: single nucleotide variant.
Coding change: c.3259G>T on transcript NM_004415.4 (MANE Select); coding-DNA position 3259, G replaced by T.
Protein change: p.Glu1087Ter; replaces glutamic acid 1087 with a stop codon.
Molecular consequence: nonsense.
Genome position (GRCh38, 1-based): chr6:7,579,449, G>T. VCF-style: chr6-7579449-G-T. GRCh37 (hg19) VCF-style: chr6-7579682-G-T.
Other names: c.3259G>T, p.Glu1087Ter (NM_001008844.3, NM_001319034.2); short protein forms E1087*.
Identifiers: ClinVar variation 4818932 (VCV004818932.1).

ClinVar aggregate classification (germline): Likely pathogenic (1 of 4 stars; one submission).

Conditions:
Primary dilated cardiomyopathy (DCM). Also called: Dilated Cardiomyopathy. Identifiers: Orphanet 217604, MedGen C0007193, MeSH D002311, MONDO:0005021, HP:0001644. Inheritance: Various modes of inheritance.

Submission:

Clinical Genetics Laboratory, Skane University Hospital Lund
Classification: Likely pathogenic for Primary dilated cardiomyopathy. Last evaluated: 2026-04-01. Review status: criteria provided, single submitter. Criteria: ACMG Guidelines, 2015. Collection method: clinical testing. Allele origin: germline. Affected: yes.
Comment: DSP (NM_004415.4) c.3259G>T, p.(Glu1087*) represents a nucleotide substitution in exon 23 of 24, resulting in a premature stop codon and consequently a truncated protein or loss of protein expression from the allele. DSP c.3259G>T has not been detected in the general population and has not been previously reported in ClinVar. The variant has been classified as likely pathogenic based on the following ACMG criteria: PVS1, PM2.